The following is an entry in ClinVar:

NM_001242896.3(DEPDC5):c.2002G>A (p.Gly668Arg)

Gene: DEPDC5 (DEP domain containing 5, GATOR1 subcomplex subunit; plus strand). Cytogenetic location: 22q12.3.
Variant type: single nucleotide variant.
Coding change: c.2002G>A on transcript NM_001242896.3 (MANE Select); coding-DNA position 2002, G replaced by A.
Protein change: p.Gly668Arg; replaces glycine 668 with arginine.
Molecular consequence: missense variant. On other transcripts: non-coding transcript variant (4), intron variant (3).
Genome position (GRCh38, 1-based): chr22:31,821,633, G>A. VCF-style: chr22-31821633-G-A. GRCh37 (hg19) VCF-style: chr22-32217619-G-A.
Other names: c.2002G>A, p.Gly668Arg (NM_001136029.4, NM_001363852.2, NM_001364318.2 and 3 more transcripts); c.1918G>A, p.Gly640Arg (NM_001369901.1, NM_001369902.1); c.1870+2408G>A (NM_001363854.2, NM_001242897.2, NM_001364319.2); short protein forms G640R, G668R.
Identifiers: ClinVar variation 1380002 (VCV001380002.6), dbSNP rs2148822327, ClinGen allele CA411282180.

ClinVar aggregate classification (germline): Uncertain significance (1 of 4 stars; one submission).

Conditions:
Familial focal epilepsy with variable foci (FPEVF). Identifiers: Orphanet 98820, MedGen C1858477, MONDO:0020310.

gnomAD v4.1: 1 of 1,613,156 alleles (0.000062%); highest among the groups gnomAD compares: South Asian, 0.0011%; no homozygotes.

Submission:

Labcorp Genetics (formerly Invitae), Labcorp
Classification: Uncertain significance for Familial focal epilepsy with variable foci. Last evaluated: 2021-09-06. Review status: criteria provided, single submitter. Criteria: Invitae Variant Classification Sherloc (09022015). Collection method: clinical testing. Allele origin: germline.
Comment: This sequence change replaces glycine with arginine at codon 668 of the DEPDC5 protein (p.Gly668Arg). The glycine residue is highly conserved and there is a moderate physicochemical difference between glycine and arginine. This variant is not present in population databases (ExAC no frequency). In summary, the available evidence is currently insufficient to determine the role of this variant in disease. Therefore, it has been classified as a Variant of Uncertain Significance. Algorithms developed to predict the effect of missense changes on protein structure and function are either unavailable or do not agree on the potential impact of this missense change (SIFT: "Deleterious"; PolyPhen-2: "Not Available"; Align-GVGD: "Class C0"). This variant has not been reported in the literature in individuals affected with DEPDC5-related conditions.